The following is an entry in ClinVar:

NM_018972.4(GDAP1):c.841G>A (p.Glu281Lys)

Gene: GDAP1 (ganglioside induced differentiation associated protein 1; plus strand). Cytogenetic location: 8q21.11.
Variant type: single nucleotide variant.
Coding change: c.841G>A on transcript NM_018972.4 (MANE Select); coding-DNA position 841, G replaced by A.
Protein change: p.Glu281Lys; replaces glutamic acid 281 with lysine.
Molecular consequence: missense variant. On other transcripts: intron variant (1).
Genome position (GRCh38, 1-based): chr8:74,364,131, G>A. VCF-style: chr8-74364131-G-A. GRCh37 (hg19) VCF-style: chr8-75276366-G-A.
Other names: c.637G>A, p.Glu213Lys (NM_001040875.4); c.514G>A, p.Glu172Lys (NM_001362929.2, NM_001362932.2); c.667G>A, p.Glu223Lys (NM_001362930.2); c.694+1078G>A (NM_001362931.2); short protein forms E213K, E172K, E223K, E281K.
Identifiers: ClinVar variation 2387027 (VCV002387027.7), dbSNP rs368650217, ClinGen allele CA4785206.

ClinVar aggregate classification (germline): Uncertain significance. Review status: criteria provided, multiple submitters, no conflicts (2 of 4 stars). 3 submissions from 3 submitters: Uncertain significance (3). Last evaluated 2025-08-26.

Conditions:
Inborn genetic diseases. Identifiers: MedGen C0950123, MeSH D030342.
Charcot-Marie-Tooth disease type 4A. Also called: Charcot-Marie-Tooth disease, demyelinating, autosomal recessive, type 4a. Identifiers: Orphanet 99948, MedGen C1859198, MONDO:0008961, OMIM 214400.

Allele frequency attached by ClinVar (database versions not stated): gnomAD 0.00005; TOPMed 0.00006; ExAC 0.00009; ESP Exome Variant Server 0.00015; 1000 Genomes Project 0.00020; 1000 Genomes Project 30x 0.00031.
gnomAD v4.1: 67 of 1,614,114 alleles (0.0042%); highest among the groups gnomAD compares: South Asian, 0.051%; 1 homozygote.

Submissions (3):

Ambry Genetics
Classification: Uncertain significance for Inborn genetic diseases. Last evaluated: 2025-08-26. Review status: criteria provided, single submitter. Criteria: Ambry Variant Classification Scheme 2023. Collection method: clinical testing. Allele origin: germline.

Labcorp Genetics (formerly Invitae), Labcorp
Classification: Uncertain significance for Charcot-Marie-Tooth disease type 4A. Last evaluated: 2024-06-15. Review status: criteria provided, single submitter. Criteria: Invitae Variant Classification Sherloc (09022015). Collection method: clinical testing. Allele origin: germline.
Comment: This sequence change replaces glutamic acid, which is acidic and polar, with lysine, which is basic and polar, at codon 281 of the GDAP1 protein (p.Glu281Lys). This variant is present in population databases (rs368650217, gnomAD 0.07%), including at least one homozygous and/or hemizygous individual. This variant has not been reported in the literature in individuals affected with GDAP1-related conditions. ClinVar contains an entry for this variant (Variation ID: 2387027). An algorithm developed to predict the effect of missense changes on protein structure and function (PolyPhen-2) suggests that this variant is likely to be disruptive. In summary, the available evidence is currently insufficient to determine the role of this variant in disease. Therefore, it has been classified as a Variant of Uncertain Significance.

Revvity Omics, Revvity
Classification: Uncertain significance. Last evaluated: 2023-04-04. Review status: criteria provided, single submitter. Criteria: ACMG Guidelines, 2015. Collection method: clinical testing. Allele origin: germline.